The following is an entry in ClinVar:

NM_001987.5(ETV6):c.228G>T (p.Glu76Asp)

Genes: ETV6 (ETS variant transcription factor 6; plus strand), LOC126861451 (BRD4-independent group 4 enhancer GRCh37_chr12:11991350-11992549; plus strand). Cytogenetic location: 12p13.2.
Variant type: single nucleotide variant.
Coding change: c.228G>T on transcript NM_001987.5 (MANE Select); coding-DNA position 228, G replaced by T.
Protein change: p.Glu76Asp; replaces glutamic acid 76 with aspartic acid.
Molecular consequence: missense variant. On other transcripts: 5 prime UTR variant (1).
Genome position (GRCh38, 1-based): chr12:11,839,204, G>T. VCF-style: chr12-11839204-G-T. GRCh37 (hg19) VCF-style: chr12-11992138-G-T.
Other names: c.225G>T, p.Glu75Asp (NM_001413913.1); c.201G>T, p.Glu67Asp (NM_001413914.1); c.-37G>T (NM_001413915.1); c.228G>T, p.Glu76Asp (NM_001413916.1, NM_001413917.1, NM_001413918.1); short protein forms E75D, E67D, E76D.
Identifiers: ClinVar variation 4842509 (VCV004842509.1).

ClinVar aggregate classification (germline): Uncertain significance (1 of 4 stars; one submission).

Conditions:
Inborn genetic diseases. Identifiers: MedGen C0950123, MeSH D030342.

gnomAD v4.1: 2 of 1,614,222 alleles (0.00012%); highest among the groups gnomAD compares: Non-Finnish European, 0.00017%; no homozygotes.

Submission:

Ambry Genetics
Classification: Uncertain significance for Inborn genetic diseases. Last evaluated: 2025-12-15. Review status: criteria provided, single submitter. Criteria: Ambry Variant Classification Scheme 2023. Collection method: clinical testing. Allele origin: germline.
Comment: The p.E76D variant (also known as c.228G>T), located in coding exon 3 of the ETV6 gene, results from a G to T substitution at nucleotide position 228. The glutamic acid at codon 76 is replaced by aspartic acid, an amino acid with highly similar properties. This amino acid position is highly conserved in available vertebrate species. In addition, the in silico prediction for this alteration is inconclusive. Based on the available evidence, the clinical significance of this variant remains unclear.